The following is an entry in ClinVar:

NM_001374828.1(ARID1B):c.6943G>A (p.Val2315Ile)

Gene: ARID1B (AT-rich interaction domain 1B; plus strand). Cytogenetic location: 6q25.3.
Variant type: single nucleotide variant.
Coding change: c.6943G>A on transcript NM_001374828.1 (MANE Select); coding-DNA position 6943, G replaced by A.
Protein change: p.Val2315Ile; replaces valine 2315 with isoleucine.
Molecular consequence: missense variant.
Genome position (GRCh38, 1-based): chr6:157,207,715, G>A. VCF-style: chr6-157207715-G-A. GRCh37 (hg19) VCF-style: chr6-157528849-G-A.
Other names: c.6694G>A, p.Val2232Ile (NM_001346813.1); c.4444G>A, p.Val1482Ile (NM_001363725.2); c.6823G>A, p.Val2275Ile (NM_001371656.1, NM_001374820.1); c.6784G>A, p.Val2262Ile (NM_017519.3); c.6574G>A, p.Val2192Ile (NM_020732.3); c.6361G>A, p.Val2121Ile (NM_175863.2); short protein forms V2121I, V2315I, V2192I, V2275I, V2232I, V1482I, V2262I.
Identifiers: ClinVar variation 2057626 (VCV002057626.4), dbSNP rs761204913, ClinGen allele CA4068085.

ClinVar aggregate classification (germline): Uncertain significance (1 of 4 stars; one submission).

Allele frequency attached by ClinVar (database versions not stated): gnomAD exomes 0.00002; gnomAD 0.00002; ExAC 0.00001; TOPMed 0.00002.
gnomAD v4.1: 27 of 1,600,340 alleles (0.0017%); highest among the groups gnomAD compares: Admixed American, 0.0033%; no homozygotes.

Submission:

Labcorp Genetics (formerly Invitae), Labcorp
Classification: Uncertain significance. Last evaluated: 2024-08-06. Review status: criteria provided, single submitter. Criteria: Invitae Variant Classification Sherloc (09022015). Collection method: clinical testing. Allele origin: germline.
Comment: This sequence change replaces valine, which is neutral and non-polar, with isoleucine, which is neutral and non-polar, at codon 2192 of the ARID1B protein (p.Val2192Ile). This variant is present in population databases (rs761204913, gnomAD 0.005%). This variant has not been reported in the literature in individuals affected with ARID1B-related conditions. ClinVar contains an entry for this variant (Variation ID: 2057626). Advanced modeling of protein sequence and biophysical properties (such as structural, functional, and spatial information, amino acid conservation, physicochemical variation, residue mobility, and thermodynamic stability) has been performed at Invitae for this missense variant, however the output from this modeling did not meet the statistical confidence thresholds required to predict the impact of this variant on ARID1B protein function. In summary, the available evidence is currently insufficient to determine the role of this variant in disease. Therefore, it has been classified as a Variant of Uncertain Significance.